The following is an entry in ClinVar:

NM_001082486.2(ACD):c.764A>G (p.Asp255Gly)

Gene: ACD (ACD shelterin complex subunit and telomerase recruitment factor; minus strand). Cytogenetic location: 16q22.1.
Variant type: single nucleotide variant.
Coding change: c.764A>G on transcript NM_001082486.2 (MANE Select); coding-DNA position 764, A replaced by G.
Protein change: p.Asp255Gly; replaces aspartic acid 255 with glycine.
Molecular consequence: missense variant.
Genome position (GRCh38, 1-based): chr16:67,658,620, T>C on the plus strand (A>G on the coding strand, the complement: ACD is on the minus strand). VCF-style: chr16-67658620-T-C. GRCh37 (hg19) VCF-style: chr16-67692523-T-C.
Other names: c.755A>G, p.Asp252Gly (NM_022914.3); short protein forms D252G, D255G.
Identifiers: ClinVar variation 1484340 (VCV001484340.8), dbSNP rs778481591, ClinGen allele CA8114538.
Genomic context (GRCh38, chr16:67,658,620, plus strand): 5'-GAACTGGGTGAGGAAGGAGGAGAGGCTATGAGGGTCAGAGATAGGTCCTGCAGAGCCGGG[T>C]CTGGTGGGGGCAGCTCAGGGCCTGGGGGGTTCAGGAAGTCTTATCAGCACTGTGGACCTG-3'
Protein context (NP_001075955.2, residues 245-265): RTQGPELPPP[Asp255Gly]PALQDLSLTL

ClinVar aggregate classification (germline): Uncertain significance (1 of 4 stars; one submission).

Conditions:
Dyskeratosis congenita, autosomal dominant 6 (DKCA6). Identifiers: Orphanet 3322, MedGen C4225284, MONDO:0014690, OMIM 616553.

Allele frequency attached by ClinVar (database versions not stated): gnomAD exomes below 0.00001; ExAC 0.00001.
gnomAD v4.1: 2 of 1,576,414 alleles (0.00013%); highest among the groups gnomAD compares: Middle Eastern, 0.017%; no homozygotes.

Submission:

Labcorp Genetics (formerly Invitae), Labcorp
Classification: Uncertain significance for Dyskeratosis congenita, autosomal dominant 6. Last evaluated: 2023-11-24. Review status: criteria provided, single submitter. Criteria: Invitae Variant Classification Sherloc (09022015). Collection method: clinical testing. Allele origin: germline.
Comment: This sequence change replaces aspartic acid, which is acidic and polar, with glycine, which is neutral and non-polar, at codon 341 of the ACD protein (p.Asp341Gly). This variant is present in population databases (rs778481591, gnomAD 0.001%). This variant has not been reported in the literature in individuals affected with ACD-related conditions. ClinVar contains an entry for this variant (Variation ID: 1484340). Advanced modeling of protein sequence and biophysical properties (such as structural, functional, and spatial information, amino acid conservation, physicochemical variation, residue mobility, and thermodynamic stability) performed at Invitae indicates that this missense variant is not expected to disrupt ACD protein function with a negative predictive value of 80%. In summary, the available evidence is currently insufficient to determine the role of this variant in disease. Therefore, it has been classified as a Variant of Uncertain Significance.